The following is an entry in ClinVar:

ClinVar aggregate classification (germline): Likely benign. Review status: criteria provided, multiple submitters, no conflicts (2 of 4 stars). 2 submissions from 2 submitters: Likely benign (2). Last evaluated 2026-01-01.

gnomAD v4.1: 154 of 1,547,516 alleles (0.01%); highest among the groups gnomAD compares: Non-Finnish European, 0.013%; no homozygotes.

Submissions (2):

CeGaT Center for Human Genetics Tuebingen
Classification: Likely benign. Last evaluated: 2026-01-01. Review status: criteria provided, single submitter. Criteria: CeGaT Center For Human Genetics Tuebingen Variant Classification Criteria Version 2. Collection method: clinical testing. Allele origin: germline. Affected: yes. Observed: 1 variant allele.
Comment: NAA15: BP4, BP7

Labcorp Genetics (formerly Invitae), Labcorp
Classification: Likely benign. Last evaluated: 2024-12-22. Review status: criteria provided, single submitter. Criteria: Invitae Variant Classification Sherloc (09022015). Collection method: clinical testing. Allele origin: germline.

NM_057175.5(NAA15):c.1773G>A (p.Glu591=)

Gene: NAA15 (N-alpha-acetyltransferase 15, NatA auxiliary subunit; plus strand). Cytogenetic location: 4q31.1.
Variant type: single nucleotide variant.
Coding change: c.1773G>A on transcript NM_057175.5 (MANE Select); coding-DNA position 1773, G replaced by A.
Protein change: p.Glu591=; no amino-acid change (glutamic acid 591 retained).
Molecular consequence: synonymous variant.
Genome position (GRCh38, 1-based): chr4:139,370,230, G>A. VCF-style: chr4-139370230-G-A. GRCh37 (hg19) VCF-style: chr4-140291384-G-A.
Other names: c.1773G>A, p.Glu591= (NM_001410842.1).
Identifiers: ClinVar variation 3714178 (VCV003714178.6).